The following is an entry in ClinVar:

NM_001267550.2(TTN):c.9305+4A>C

Gene: TTN (titin; minus strand). Cytogenetic location: 2q31.2.
Variant type: single nucleotide variant.
Coding change: c.9305+4A>C on transcript NM_001267550.2 (MANE Select); 4 bases into the intron after coding-DNA position 9305, A replaced by C.
Molecular consequence: intron variant.
Genome position (GRCh38, 1-based): chr2:178,768,010, T>G on the plus strand (A>C on the coding strand, the complement: TTN is on the minus strand). VCF-style: chr2-178768010-T-G. GRCh37 (hg19) VCF-style: chr2-179632737-T-G.
Other names: c.9167+4A>C (NM_003319.4, NM_133437.4, NM_133432.3); c.9305+4A>C (NM_133378.4, NM_001256850.1, NM_133379.5).
Identifiers: ClinVar variation 1422702 (VCV001422702.10), dbSNP rs746628782, ClinGen allele CA2004383.

ClinVar aggregate classification (germline): Conflicting classifications of pathogenicity. Review status: criteria provided, conflicting classifications (1 of 4 stars). 2 submissions from 2 submitters: Uncertain significance (1); Likely benign (1). Last evaluated 2026-01-31.

Conditions:
Dilated cardiomyopathy 1G (CMD1G). Identifiers: Orphanet 154, MedGen C1858763, MONDO:0011400, OMIM 604145.
Autosomal recessive limb-girdle muscular dystrophy type 2J (LGMDR10). Also called: Limb-girdle muscular dystrophy, type 2J; MUSCULAR DYSTROPHY, LIMB-GIRDLE, AUTOSOMAL RECESSIVE 10. Identifiers: Orphanet 140922, MedGen C1837342, MONDO:0012127, OMIM 608807.
Cardiovascular phenotype. Identifiers: MedGen CN230736.

Allele frequency attached by ClinVar (database versions not stated): ExAC 0.00001; gnomAD 0.00001; gnomAD exomes 0.00001.
gnomAD v4.1: 6 of 1,614,006 alleles (0.00037%); highest among the groups gnomAD compares: African/African-American, 0.008%; no homozygotes.

Submissions (2):

Labcorp Genetics (formerly Invitae), Labcorp
Classification: Uncertain significance for Dilated cardiomyopathy 1G; Autosomal recessive limb-girdle muscular dystrophy type 2J. Last evaluated: 2026-01-31. Review status: criteria provided, single submitter. Criteria: Invitae Variant Classification Sherloc (09022015). Collection method: clinical testing. Allele origin: germline.
Comment: This sequence change falls in intron 39 of the TTN gene. It does not directly change the encoded amino acid sequence of the TTN protein. It affects a nucleotide within the consensus splice site. This variant is present in population databases (rs746628782, gnomAD 0.02%). This variant has not been reported in the literature in individuals affected with TTN-related conditions. ClinVar contains an entry for this variant (Variation ID: 1422702). Variants that disrupt the consensus splice site are a relatively common cause of aberrant splicing (PMID: 17576681, 9536098). Algorithms developed to predict the effect of sequence changes on RNA splicing suggest that this variant is not likely to affect RNA splicing. This variant is located in the I band of TTN (PMID: 25589632). Non-truncating variants in this region may be clinically relevant, but have not been definitively shown to cause cardiomyopathy or neuromuscular disease (PMID: 27493940, 32778822). In summary, the available evidence is currently insufficient to determine the role of this variant in disease. Therefore, it has been classified as a Variant of Uncertain Significance.

Ambry Genetics
Classification: Likely benign for Cardiovascular phenotype. Last evaluated: 2020-09-21. Review status: criteria provided, single submitter. Criteria: Ambry Variant Classification Scheme 2023. Collection method: clinical testing. Allele origin: germline.

Literature cited by the submitters: PubMed 17576681 (cited by Labcorp Genetics (formerly Invitae), Labcorp); PubMed 9536098 (cited by Labcorp Genetics (formerly Invitae), Labcorp); PubMed 25589632 (cited by Labcorp Genetics (formerly Invitae), Labcorp); PubMed 27493940 (cited by Labcorp Genetics (formerly Invitae), Labcorp); PubMed 32778822 (cited by Labcorp Genetics (formerly Invitae), Labcorp).